The following is an entry in ClinVar:

ClinVar aggregate classification (germline): Pathogenic/Likely pathogenic. Review status: criteria provided, multiple submitters, no conflicts (2 of 4 stars). 2 submissions from 2 submitters: Pathogenic (1); Likely pathogenic (1). Last evaluated 2026-01-29.

Conditions:
IFT140-related disorder. Also called: IFT140-related condition.
Retinitis pigmentosa 80 (RP80). Identifiers: MedGen C4540439, MONDO:0054708, OMIM 617781.
Saldino-Mainzer syndrome (SRTD9). Also called: CONORENAL SYNDROME; Renal dysplasia, retinal pigmentary dystrophy, cerebellar ataxia and skeletal dysplasia; SHORT-RIB THORACIC DYSPLASIA 9 WITHOUT POLYDACTYLY; short-rib thoracic dysplasia 9 with or without polydactyly. Identifiers: Orphanet 140969, MedGen C1849437, MONDO:0009964, OMIM 266920.

Submissions (2):

PreventionGenetics, part of Exact Sciences
Classification: Pathogenic for IFT140-related condition. Last evaluated: 2026-01-29. Review status: criteria provided, single submitter. Criteria: ACMG Guidelines, 2015. Collection method: clinical testing. Allele origin: germline.
Comment: The IFT140 c.2872_2875delinsGT variant is predicted to result in a frameshift and premature protein termination (p.Trp958Valfs*161). This variant has been reported in the heterozygous state in an individual with autosomal dominant polycystic kidney disease (ADPKD) (Clark et al. 2024. PubMed ID: 39136524). This variant has not been reported in a large population database (gnomAD), indicating this variant is rare. Frameshift variants in IFT140 are expected to be pathogenic. Since loss-of-function of IFT140 is the disease causing mechanism for both autosomal dominant and recessive IFT140-related disorders, this variant is interpreted as pathogenic for both autosomal dominant and recessive IFT140-related disorders.

Fulgent Genetics
Classification: Likely pathogenic for Saldino-Mainzer syndrome; Retinitis pigmentosa 80. Last evaluated: 2024-03-19. Review status: criteria provided, single submitter. Criteria: ACMG Guidelines, 2015. Collection method: clinical testing. Allele origin: germline.

NM_014714.4(IFT140):c.2872_2875delinsGT (p.Trp958fs)

Genes: IFT140 (intraflagellar transport 140; minus strand), LOC126862260 (CDK7 strongly-dependent group 2 enhancer GRCh37_chr16:1574508-1575707; plus strand). Cytogenetic location: 16p13.3.
Variant type: Indel.
Coding change: c.2872_2875delinsGT on transcript NM_014714.4 (MANE Select); coding-DNA positions 2872 to 2875, TGGC replaced by GT.
Protein change: p.Trp958fs; shifts the reading frame from tryptophan 958.
Molecular consequence: frameshift variant.
Genome position (GRCh38, 1-based): chr16:1,524,906-1,524,909, GCCA replaced by AC on the plus strand (TGGC replaced by GT on the coding strand, the reverse complement: IFT140 is on the minus strand). VCF-style: chr16-1524906-GCCA-AC. GRCh37 (hg19) VCF-style: chr16-1574907-GCCA-AC.
Other names: c.2872_2875delinsGT (NM_014714.3); short protein forms W958fs.
Identifiers: ClinVar variation 3578499 (VCV003578499.2).